The following is an entry in ClinVar:

ClinVar aggregate classification (germline): Pathogenic (1 of 4 stars; one submission).

Conditions:
Neurofibromatosis, type 1 (NF1). Also called: VON RECKLINGHAUSEN DISEASE; Peripheral type neurofibromatosis; NEUROFIBROMATOSIS, TYPE I, SOMATIC; Neurofibromatosis, type I. Identifiers: Orphanet 636, MedGen C0027831, MONDO:0018975, OMIM 162200. Disease mechanism: loss of function.

Submission:

Labcorp Genetics (formerly Invitae), Labcorp
Classification: Pathogenic for Neurofibromatosis, type 1. Last evaluated: 2025-06-10. Review status: criteria provided, single submitter. Criteria: Invitae Variant Classification Sherloc (09022015). Collection method: clinical testing. Allele origin: germline.
Comment: This sequence change creates a premature translational stop signal (p.Gln2510Argfs*17) in the NF1 gene. It is expected to result in an absent or disrupted protein product. Loss-of-function variants in NF1 are known to be pathogenic (PMID: 10712197, 23913538). This variant is not present in population databases (gnomAD no frequency). This premature translational stop signal has been observed in individual(s) with neurofibromatosis type 1 (PMID: 18546366). For these reasons, this variant has been classified as Pathogenic.

Literature cited by the submitters: PubMed 10712197; PubMed 23913538; PubMed 18546366.

NM_001042492.3(NF1):c.7592del (p.Gln2531fs)

Gene: NF1 (neurofibromin 1; plus strand). Cytogenetic location: 17q11.2.
Variant type: Deletion.
Coding change: c.7592del on transcript NM_001042492.3 (MANE Select); coding-DNA position 7592, one base deleted (A; older notation c.7592delA).
Protein change: p.Gln2531fs; shifts the reading frame from glutamine 2531.
Molecular consequence: frameshift variant.
Genome position (GRCh38, 1-based): chr17:31,352,391, A deleted. VCF-style (leftmost placement, unchanged base first): chr17-31352390-CA-C. GRCh37 (hg19) VCF-style: chr17-29679408-CA-C.
Other names: c.7529del, p.Gln2510fs (NM_000267.4); short protein forms Q2510fs, Q2531fs.
Identifiers: ClinVar variation 4710368 (VCV004710368.1).